The following is an entry in ClinVar:

NM_001378418.1(TCF20):c.2883C>G (p.Tyr961Ter)

Gene: TCF20 (transcription factor 20; minus strand). Cytogenetic location: 22q13.2.
Variant type: single nucleotide variant.
Coding change: c.2883C>G on transcript NM_001378418.1 (MANE Select); coding-DNA position 2883, C replaced by G.
Protein change: p.Tyr961Ter; replaces tyrosine 961 with a stop codon.
Molecular consequence: nonsense.
Genome position (GRCh38, 1-based): chr22:42,212,423, G>C on the plus strand (C>G on the coding strand, the complement: TCF20 is on the minus strand). VCF-style: chr22-42212423-G-C. GRCh37 (hg19) VCF-style: chr22-42608429-G-C.
Other names: c.2883C>G, p.Tyr961Ter (NM_005650.4, NM_181492.3); short protein forms Y961*.
Identifiers: ClinVar variation 599645 (VCV000599645.4), dbSNP rs1208949378, ClinGen allele CA411787675.
Genomic context (GRCh38, chr22:42,212,423, plus strand): 5'-TTGCGGGCCATAGTCTGAAAGGGAATCATGGGTTGCTGCTCCAGGGCTGGCATTGCCGCG[G>C]TAAGACTCATGCTTGATGCTAGGAGGATGGCAGTGGTCTCCAGATTTCTTGTTGTTGAAA-3'

ClinVar aggregate classification (germline): Pathogenic. Review status: criteria provided, single submitter (1 of 4 stars). 2 submissions from 1 submitter: Pathogenic (1). 1 of the submissions does not count toward it. Last evaluated 2018-11-14.

Conditions:
Neurodevelopmental abnormality. Identifiers: MedGen C4022737, HP:0012759.

Submissions (2):

GeneDx
Classification: Pathogenic for Neurodevelopmental abnormality. Last evaluated: 2018-11-14. Review status: criteria provided, single submitter. Criteria: GeneDx Variant Classification (06012015). Collection method: clinical testing. Allele origin: unknown. Affected: yes.

GeneDx
Classification: Pathogenic. Last evaluated: 2018-11-14. Review status: flagged submission. Criteria: GeneDx Variant Classification (06012015). Collection method: clinical testing. Allele origin: germline. Affected: yes. Not counted in ClinVar's aggregate classification.
Comment: The Y961X variant in the TCF20 gene has been observed in internal GeneDx whole exome sequencing data in association with intellectual disability, global developmental delay, neurobehavioral concerns, and neurologic abnormalities. This variant is predicted to cause loss of normal protein function either through protein truncation or nonsense-mediated mRNA decay. The Y961X variant is not observed in large population cohorts (Lek et al., 2016). Therefore, we interpret Y961X as a pathogenic variant.
ClinVar note: Reason: This record appears to be redundant with a more recent record from the same submitter.
ClinVar note: Notes: SCV000890381 appears to be redundant with SCV000854577.